The following is an entry in ClinVar:

NM_000038.6(APC):c.8366G>A (p.Ser2789Asn)

Gene: APC (APC regulator of Wnt signaling pathway; plus strand). Cytogenetic location: 5q22.2.
Variant type: single nucleotide variant.
Coding change: c.8366G>A on transcript NM_000038.6 (MANE Select); coding-DNA position 8366, G replaced by A.
Protein change: p.Ser2789Asn; replaces serine 2789 with asparagine.
Molecular consequence: missense variant.
Genome position (GRCh38, 1-based): chr5:112,843,960, G>A. VCF-style: chr5-112843960-G-A. GRCh37 (hg19) VCF-style: chr5-112179657-G-A.
Other names: c.8366G>A, p.Ser2789Asn (NM_001127510.3, NM_001354895.2); c.8312G>A, p.Ser2771Asn (NM_001127511.3); c.8420G>A, p.Ser2807Asn (NM_001354896.2); c.8396G>A, p.Ser2799Asn (NM_001354897.2); c.8291G>A, p.Ser2764Asn (NM_001354898.2); c.8282G>A, p.Ser2761Asn (NM_001354899.2); c.8243G>A, p.Ser2748Asn (NM_001354900.2); c.8189G>A, p.Ser2730Asn (NM_001354901.2); and 5 more; short protein forms S2730N, S2789N, S2799N, S2506N, S2807N, S2663N, S2761N, S2764N.
Identifiers: ClinVar variation 1404965 (VCV001404965.10), dbSNP rs2150004084, ClinGen allele CA16039486.

ClinVar aggregate classification (germline): Uncertain significance. Review status: criteria provided, multiple submitters, no conflicts (2 of 4 stars). 2 submissions from 2 submitters: Uncertain significance (2). Last evaluated 2024-03-01.

Conditions:
Hereditary cancer-predisposing syndrome. Also called: Hereditary neoplastic syndrome; Hereditary Cancer Syndrome; Neoplastic Syndromes, Hereditary; Tumor predisposition. Identifiers: Orphanet 140162, MedGen C0027672, MeSH D009386, MONDO:0015356.
Familial adenomatous polyposis 1 (FAP1). Also called: POLYPOSIS, ADENOMATOUS INTESTINAL; FAMILIAL ADENOMATOUS POLYPOSIS 1, ATTENUATED. Identifiers: MedGen C2713442, MONDO:0021056, OMIM 175100. Disease mechanism: loss of function.

Submissions (2):

Ambry Genetics
Classification: Uncertain significance for Hereditary cancer-predisposing syndrome. Last evaluated: 2024-03-01. Review status: criteria provided, single submitter. Criteria: Ambry Variant Classification Scheme 2023. Collection method: clinical testing. Allele origin: germline.
Comment: The p.S2789N variant (also known as c.8366G>A), located in coding exon 15 of the APC gene, results from a G to A substitution at nucleotide position 8366. The serine at codon 2789 is replaced by asparagine, an amino acid with highly similar properties. This alteration has been reported in a familial colorectal cancer case (Raskin L et al. Oncotarget, 2017 Nov;8:93450-93463). This amino acid position is highly conserved in available vertebrate species. In addition, in silico predictors for this gene do not accurately predict pathogenicity. Since supporting evidence is limited at this time, the clinical significance of this alteration remains unclear.

Labcorp Genetics (formerly Invitae), Labcorp
Classification: Uncertain significance for Familial adenomatous polyposis 1. Last evaluated: 2022-08-10. Review status: criteria provided, single submitter. Criteria: Invitae Variant Classification Sherloc (09022015). Collection method: clinical testing. Allele origin: germline.
Comment: This sequence change replaces serine, which is neutral and polar, with asparagine, which is neutral and polar, at codon 2789 of the APC protein (p.Ser2789Asn). This variant is not present in population databases (gnomAD no frequency). This missense change has been observed in individual(s) with colon cancer (PMID: 29212164). ClinVar contains an entry for this variant (Variation ID: 1404965). Algorithms developed to predict the effect of missense changes on protein structure and function are either unavailable or do not agree on the potential impact of this missense change (SIFT: "Tolerated"; PolyPhen-2: "Probably Damaging"; Align-GVGD: "Class C0"). In summary, the available evidence is currently insufficient to determine the role of this variant in disease. Therefore, it has been classified as a Variant of Uncertain Significance.

Literature cited by the submitters: PubMed 29212164 (cited by Ambry Genetics and Labcorp Genetics (formerly Invitae), Labcorp).